The following is an entry in ClinVar:

ClinVar aggregate classification (germline): Likely pathogenic (1 of 4 stars; one submission).

Conditions:
Hereditary breast ovarian cancer syndrome. Also called: Hereditary breast and/or ovarian cancer syndrome; Hereditary breast and ovarian cancer syndrome; Hereditary breast and ovarian cancer; Hereditary breast and ovarian cancer syndrome (HBOC); Breast and ovarian cancer; BRCA1- and BRCA2-Associated Hereditary Breast and Ovarian Cancer. Identifiers: Orphanet 145, MedGen C0677776, MeSH D061325, MONDO:0003582. Disease mechanism: loss of function.

Submission:

Labcorp Genetics (formerly Invitae), Labcorp
Classification: Likely pathogenic for Hereditary breast ovarian cancer syndrome. Last evaluated: 2019-06-10. Review status: criteria provided, single submitter. Criteria: Invitae Variant Classification Sherloc (09022015). Collection method: clinical testing. Allele origin: germline.
Comment: This variant disrupts the C-terminal end of the BRCA1 protein partially including the BRCT domain (residues 1646-1859), which is important for DNA repair activity (PMID: 11573086, 14576433, 15133503, 25652403). While a protein structural change is likely expected, functional studies have not been done to test whether or not this variant affects protein function. In summary, the currently available evidence indicates that the variant is pathogenic, but additional data are needed to prove that conclusively. Therefore, this variant has been classified as Likely Pathogenic. A similar frameshift variant (p.Gln1857Argfs*65) that lies downstream of this variant has been determined to be pathogenic (PMID: 21520333, Invitae). This suggests that variants that disrupt this region of the protein are likely to be causative of disease. This variant has been reported in individuals in the Leiden Open-source Variation Database (PMID: 21520333). This variant is not present in population databases (ExAC no frequency). This sequence change results in a frameshift in the BRCA1 gene (p.Tyr1853Argfs*65). While this is not anticipated to result in nonsense mediated decay, it is expected to disrupt the last 11 amino acids of the BRCA1 protein and extend the protein by an additional 54 amino acids.

Literature cited by the submitters: PubMed 11573086; PubMed 14576433; PubMed 15133503; PubMed 25652403; PubMed 21520333.

NM_007294.4(BRCA1):c.5557_5569del (p.Tyr1853fs)

Gene: BRCA1 (BRCA1 DNA repair associated; minus strand). Cytogenetic location: 17q21.31.
Variant type: Deletion.
Coding change: c.5557_5569del on transcript NM_007294.4 (MANE Select); coding-DNA positions 5557 to 5569, 13 bases deleted (TACCTGATACCCC).
Protein change: p.Tyr1853fs; shifts the reading frame from tyrosine 1853.
Molecular consequence: frameshift variant. On other transcripts: 3 prime UTR variant (1), non-coding transcript variant (1).
Genome position (GRCh38, 1-based): chr17:43,045,701-43,045,713, GGGGTATCAGGTA deleted on the plus strand (TACCTGATACCCC on the coding strand, the reverse complement: BRCA1 is on the minus strand); deleting any 13 consecutive bases within chr17:43,045,701-43,045,715 gives the same sequence; the c. name uses the placement nearest the transcript's 3' end. VCF-style (leftmost placement, unchanged base first): chr17-43045700-TGGGGTATCAGGTA-T. GRCh37 (hg19) VCF-style: chr17-41197717-TGGGGTATCAGGTA-T.
Other names: c.5429_5441delCCTACCTGATACC, p.Tyr1811Argfs (NM_001407677.1, NM_001407678.1, NM_001407679.1 and 8 more transcripts); c.5426_5438delCCTACCTGATACC, p.Tyr1810Argfs (NM_001407681.1, NM_001407682.1, NM_001407683.1 and 6 more transcripts); c.5423_5435delCCTACCTGATACC, p.Tyr1809Argfs (NM_001407690.1, NM_001407691.1); c.5414_5426delCCTACCTGATACC, p.Tyr1806Argfs (NM_001407692.1, NM_001407694.1, NM_001407695.1 and 11 more transcripts); c.5411_5423delCCTACCTGATACC, p.Tyr1805Argfs (NM_001407732.1, NM_001407733.1, NM_001407734.1 and 18 more transcripts); c.5408_5420delCCTACCTGATACC, p.Tyr1804Argfs (NM_001407838.1, NM_001407839.1, NM_001407841.1 and 12 more transcripts); c.*69_*81delCCTACCTGATACC (NM_001407854.1, NM_001407858.1, NM_001407859.1 and 13 more transcripts); c.5354_5366delCCTACCTGATACC, p.Tyr1786Argfs (NM_001407862.1); and 77 more; short protein forms Y1806fs, Y1874fs, Y749fs, Y1853fs.
Identifiers: ClinVar variation 941482 (VCV000941482.9), dbSNP rs2050856829, ClinGen allele CA1139665547.